The following is an entry in ClinVar:

ClinVar aggregate classification (germline): Uncertain significance (1 of 4 stars; one submission).

Conditions:
Birt-Hogg-Dube syndrome. Also called: Birt Hogg Dubé syndrome. Identifiers: Orphanet 122, MedGen C0346010, MONDO:0800444.

Submission:

Labcorp Genetics (formerly Invitae), Labcorp
Classification: Uncertain significance for Birt-Hogg-Dube syndrome. Last evaluated: 2025-11-03. Review status: criteria provided, single submitter. Criteria: Invitae Variant Classification Sherloc (09022015). Collection method: clinical testing. Allele origin: germline.
Comment: This sequence change replaces valine, which is neutral and non-polar, with isoleucine, which is neutral and non-polar, at codon 355 of the FLCN protein (p.Val355Ile). This variant is not present in population databases (gnomAD no frequency). This variant has not been reported in the literature in individuals affected with FLCN-related conditions. ClinVar contains an entry for this variant (Variation ID: 2756274). An algorithm developed to predict the effect of missense changes on protein structure and function (PolyPhen-2) suggests that this variant is likely to be tolerated. In summary, the available evidence is currently insufficient to determine the role of this variant in disease. Therefore, it has been classified as a Variant of Uncertain Significance.

NM_144997.7(FLCN):c.1063G>A (p.Val355Ile)

Gene: FLCN (folliculin; minus strand). Cytogenetic location: 17p11.2.
Variant type: single nucleotide variant.
Coding change: c.1063G>A on transcript NM_144997.7 (MANE Select); coding-DNA position 1063, G replaced by A.
Protein change: p.Val355Ile; replaces valine 355 with isoleucine.
Molecular consequence: missense variant.
Genome position (GRCh38, 1-based): chr17:17,217,182, C>T on the plus strand (G>A on the coding strand, the complement: FLCN is on the minus strand). VCF-style: chr17-17217182-C-T. GRCh37 (hg19) VCF-style: chr17-17120496-C-T.
Other names: c.1117G>A, p.Val373Ile (NM_001353229.2); c.1063G>A, p.Val355Ile (NM_001353230.2, NM_001353231.2); short protein forms V373I, V355I.
Identifiers: ClinVar variation 2756274 (VCV002756274.3), dbSNP rs2544174423, ClinGen allele CA398532406.